The following is an entry in ClinVar:

ClinVar aggregate classification (germline): Uncertain significance (1 of 4 stars; one submission).

Submission:

Labcorp Genetics (formerly Invitae), Labcorp
Classification: Uncertain significance. Last evaluated: 2022-06-05. Review status: criteria provided, single submitter. Criteria: Invitae Variant Classification Sherloc (09022015). Collection method: clinical testing. Allele origin: germline.
Comment: This sequence change replaces aspartic acid, which is acidic and polar, with histidine, which is basic and polar, at codon 3275 of the FAT4 protein (p.Asp3275His). This variant is not present in population databases (gnomAD no frequency). This variant has not been reported in the literature in individuals affected with FAT4-related conditions. ClinVar contains an entry for this variant (Variation ID: 1514667). Advanced modeling of protein sequence and biophysical properties (such as structural, functional, and spatial information, amino acid conservation, physicochemical variation, residue mobility, and thermodynamic stability) performed at Invitae indicates that this missense variant is not expected to disrupt FAT4 protein function. In summary, the available evidence is currently insufficient to determine the role of this variant in disease. Therefore, it has been classified as a Variant of Uncertain Significance.

NM_001291303.3(FAT4):c.9829G>C (p.Asp3277His)

Gene: FAT4 (FAT atypical cadherin 4; plus strand). Cytogenetic location: 4q28.1.
Variant type: single nucleotide variant.
Coding change: c.9829G>C on transcript NM_001291303.3 (MANE Select); coding-DNA position 9829, G replaced by C.
Protein change: p.Asp3277His; replaces aspartic acid 3277 with histidine.
Molecular consequence: missense variant.
Genome position (GRCh38, 1-based): chr4:125,450,839, G>C. VCF-style: chr4-125450839-G-C. GRCh37 (hg19) VCF-style: chr4-126371994-G-C.
Other names: c.9829G>C, p.Asp3277His (NM_001291285.3); c.9823G>C, p.Asp3275His (NM_024582.6); short protein forms D3275H, D3277H.
Identifiers: ClinVar variation 1514667 (VCV001514667.6), dbSNP rs775681328, ClinGen allele CA358154653.